The following is an entry in ClinVar:

ClinVar aggregate classification (germline): Likely benign (1 of 4 stars; one submission).

Submission:

CeGaT Center for Human Genetics Tuebingen
Classification: Likely benign. Last evaluated: 2026-01-01. Review status: criteria provided, single submitter. Criteria: CeGaT Center For Human Genetics Tuebingen Variant Classification Criteria Version 2. Collection method: clinical testing. Allele origin: germline. Affected: yes. Observed: 1 variant allele.
Comment: IGFN1: BP4, BP7

NM_001164586.2(IGFN1):c.5769G>A (p.Glu1923=)

Gene: IGFN1 (immunoglobulin like and fibronectin type III domain containing 1; plus strand). Cytogenetic location: 1q32.1.
Variant type: single nucleotide variant.
Coding change: c.5769G>A on transcript NM_001164586.2 (MANE Select); coding-DNA position 5769, G replaced by A.
Protein change: p.Glu1923=; no amino-acid change (glutamic acid 1923 retained).
Molecular consequence: synonymous variant. On other transcripts: intron variant (1).
Genome position (GRCh38, 1-based): chr1:201,210,662, G>A. VCF-style: chr1-201210662-G-A. GRCh37 (hg19) VCF-style: chr1-201179790-G-A.
Other names: c.1242-2844G>A (NM_001367841.1).
Identifiers: ClinVar variation 4821470 (VCV004821470.4).
Genomic context (GRCh38, chr1:201,210,662, plus strand): 5'-AAGTAAGGCAGGTTTTAGGGATGGTTTAGGGAGTTCTGTAGAAATGGGGTCAGTGAATGA[G>A]GCAGGTTATAGGAAGGATTTGGGGGCTCCTGAGGGAATGGGTTCAGGGAGTAAGGAAGGT-3'
Protein context (NP_001158058.1, residues 1913-1933): GSSVEMGSVN[Glu1923=]AGYRKDLGAP